The following is an entry in ClinVar:

NM_032043.3(BRIP1):c.2753C>T (p.Thr918Ile)

Gene: BRIP1 (BRCA1 interacting DNA helicase 1; minus strand). Cytogenetic location: 17q23.2.
Variant type: single nucleotide variant.
Coding change: c.2753C>T on transcript NM_032043.3 (MANE Select); coding-DNA position 2753, C replaced by T.
Protein change: p.Thr918Ile; replaces threonine 918 with isoleucine.
Molecular consequence: missense variant.
Genome position (GRCh38, 1-based): chr17:61,685,988, G>A on the plus strand (C>T on the coding strand, the complement: BRIP1 is on the minus strand). VCF-style: chr17-61685988-G-A. GRCh37 (hg19) VCF-style: chr17-59763349-G-A.
Other names: short protein forms T918I.
Identifiers: ClinVar variation 140817 (VCV000140817.10), dbSNP rs587781298, ClinGen allele CA163640.
Genomic context (GRCh38, chr17:61,685,988, plus strand): 5'-TCATCTTCCACAAAATTTTCTGGTGATAGATGACTTGCTGCTTCCAGTAAATAAGGTGAG[G>A]TACTGTACTTTAAAGAGGTCACTTCAAGTGTAGACTCATTGTCCTGTATATTGGTTCTGT-3'
Protein context (NP_114432.2, residues 908-928): TLEVTSLKYS[Thr918Ile]SPYLLEAASH

ClinVar aggregate classification (germline): Conflicting classifications of pathogenicity. Review status: criteria provided, conflicting classifications (1 of 4 stars). 2 submissions from 2 submitters: Uncertain significance (1); Likely benign (1). Last evaluated 2025-09-16.

Conditions:
Hereditary cancer-predisposing syndrome. Also called: Neoplastic Syndromes, Hereditary; Hereditary Cancer Syndrome; Hereditary neoplastic syndrome; Tumor predisposition. Identifiers: Orphanet 140162, MedGen C0027672, MeSH D009386, MONDO:0015356.
Familial cancer of breast. Also called: Hereditary breast cancer; hereditary breast carcinoma; BREAST CANCER, FAMILIAL. Identifiers: Orphanet 227535, MedGen C0346153, MONDO:0016419, OMIM 114480. Disease mechanism: loss of function.
Fanconi anemia complementation group J. Also called: BRIP1-Related Fanconi Anemia. Identifiers: Orphanet 84, MedGen C1836860, MONDO:0012187, OMIM 609054.

Submissions (2):

Ambry Genetics
Classification: Likely benign for Hereditary cancer-predisposing syndrome. Last evaluated: 2025-09-16. Review status: criteria provided, single submitter. Criteria: Ambry Variant Classification Scheme 2023. Collection method: clinical testing. Allele origin: germline.

Labcorp Genetics (formerly Invitae), Labcorp
Classification: Uncertain significance for Familial cancer of breast; Fanconi anemia complementation group J. Last evaluated: 2022-07-23. Review status: criteria provided, single submitter. Criteria: Invitae Variant Classification Sherloc (09022015). Collection method: clinical testing. Allele origin: germline.
Comment: In summary, the available evidence is currently insufficient to determine the role of this variant in disease. Therefore, it has been classified as a Variant of Uncertain Significance. Algorithms developed to predict the effect of missense changes on protein structure and function are either unavailable or do not agree on the potential impact of this missense change (SIFT: "Tolerated"; PolyPhen-2: "Possibly Damaging"; Align-GVGD: "Class C0"). ClinVar contains an entry for this variant (Variation ID: 140817). This variant has not been reported in the literature in individuals affected with BRIP1-related conditions. This variant is not present in population databases (gnomAD no frequency). This sequence change replaces threonine, which is neutral and polar, with isoleucine, which is neutral and non-polar, at codon 918 of the BRIP1 protein (p.Thr918Ile).